The following is an entry in ClinVar:

NR_001566.3(TERC):n.136G>T

Genes: TERC (telomerase RNA component; minus strand), LOC110806306 (telomerase RNA component (TERC) promoter; plus strand). Cytogenetic location: 3q26.2.
Variant type: single nucleotide variant.
Molecular consequence: non-coding transcript variant (on NR_001566.3).
Genome position: GRCh38 VCF-style: chr3-169764925-C-A. GRCh37 (hg19) VCF-style: chr3-169482713-C-A.
Identifiers: ClinVar variation 3657073 (VCV003657073.3).

ClinVar aggregate classification (germline): Uncertain significance. Review status: criteria provided, multiple submitters, no conflicts (2 of 4 stars). 2 submissions from 2 submitters: Uncertain significance (2). Last evaluated 2025-07-23.

Conditions:
TERC-related disorder. Also called: TERC-related condition.
Dyskeratosis congenita, autosomal dominant 1 (DKCA1). Also called: Dyskeratosis congenita Scoggins type. Identifiers: Orphanet 1775, MedGen C4551974, MONDO:0007485, OMIM 127550. Inheritance: Variable.

Submissions (2):

PreventionGenetics, part of Exact Sciences
Classification: Uncertain significance for TERC-related condition. Last evaluated: 2025-07-23. Review status: criteria provided, single submitter. Criteria: ACMG Guidelines, 2015. Collection method: clinical testing. Allele origin: germline.
Comment: The TERC n.136G>T is a noncoding alteration. To our knowledge, this variant has not been reported in the literature or in a large population database (gnomAD), indicating this variant is rare. At this time, the clinical significance of this variant is uncertain due to the absence of conclusive functional and genetic evidence.

Labcorp Genetics (formerly Invitae), Labcorp
Classification: Uncertain significance for Dyskeratosis congenita, autosomal dominant 1. Last evaluated: 2024-06-19. Review status: criteria provided, single submitter. Criteria: Invitae Variant Classification Sherloc (09022015). Collection method: clinical testing. Allele origin: germline.
Comment: This variant occurs in the TERC gene, which encodes an RNA molecule that does not result in a protein product. This variant is not present in population databases (gnomAD no frequency). This variant has not been reported in the literature in individuals affected with TERC-related conditions. This variant is located within the template/pseudoknot domain of the TERC RNA component, which is required for RNA or RNP stability (PMID: 15082312, 21844345). This variant is located in a region of TERC in which a significant number of disease causing variants have been reported (PMID: 15082312, 21844345, 21931702). These observations suggest that this may be a clinically significant region. In summary, the available evidence is currently insufficient to determine the role of this variant in disease. Therefore, it has been classified as a Variant of Uncertain Significance.

Literature cited by the submitters: PubMed 15082312 (cited by Labcorp Genetics (formerly Invitae), Labcorp); PubMed 21844345 (cited by Labcorp Genetics (formerly Invitae), Labcorp); PubMed 21931702 (cited by Labcorp Genetics (formerly Invitae), Labcorp).